The following is an entry in ClinVar:

ClinVar aggregate classification (germline): Benign. Review status: criteria provided, multiple submitters, no conflicts (2 of 4 stars). 8 submissions from 8 submitters: Benign (7). 1 of the submissions does not count toward it. Last evaluated 2026-01-18.

Conditions:
WDR62-related disorder. Also called: WDR62-related condition.
Microcephaly 2, primary, autosomal recessive, with or without cortical malformations. Also called: WDR62 Primary Microcephaly; MICROCEPHALY 2, PRIMARY, AUTOSOMAL RECESSIVE, WITH CORTICAL MALFORMATIONS. Identifiers: Orphanet 2512, MedGen C1858535, MONDO:0011435, OMIM 604317.

Allele frequency attached by ClinVar (database versions not stated): 1000 Genomes Project 0.01637; gnomAD 0.01766 and 0.01639; TOPMed 0.01894; gnomAD exomes 0.00436 and 0.00162; ESP Exome Variant Server 0.01684; 1000 Genomes Project 30x 0.01718; ExAC 0.00536.
gnomAD v4.1: 4,942 of 1,614,130 alleles (0.31%); highest among the groups gnomAD compares: African/African-American, 5.7%; 126 homozygotes.

Submissions (8):

Labcorp Genetics (formerly Invitae), Labcorp
Classification: Benign. Last evaluated: 2026-01-18. Review status: criteria provided, single submitter. Criteria: Invitae Variant Classification Sherloc (09022015). Collection method: clinical testing. Allele origin: germline.

Athena Diagnostics
Classification: Benign. Last evaluated: 2025-04-16. Review status: criteria provided, single submitter. Criteria: Athena Diagnostics Criteria. Collection method: clinical testing. Allele origin: unknown.
Comment: The frequency of this variant in the general population is higher than would generally be expected for pathogenic variants in this gene.

Genome-Nilou Lab
Classification: Benign for Microcephaly 2, primary, autosomal recessive, with or without cortical malformations. Last evaluated: 2021-12-05. Review status: criteria provided, single submitter. Criteria: ACMG Guidelines, 2015. Collection method: clinical testing. Allele origin: germline. Affected: no.

Illumina Laboratory Services, Illumina
Classification: Benign for Microcephaly 2, primary, autosomal recessive, with or without cortical malformations. Last evaluated: 2018-01-13. Review status: criteria provided, single submitter. Criteria: ICSL Variant Classification Criteria 13 December 2019. Collection method: clinical testing. Allele origin: germline.
Comment: This variant was observed in the ICSL laboratory as part of a predisposition screen in an ostensibly healthy population. It had not been previously curated by ICSL or reported in the Human Gene Mutation Database (HGMD: prior to June 1st, 2018), and was therefore a candidate for classification through an automated scoring system. Utilizing variant allele frequency, disease prevalence and penetrance estimates, and inheritance mode, an automated score was calculated to assess if this variant is too frequent to cause the disease. Based on the score and internal cut-off values, a variant classified as benign is not then subjected to further curation. The score for this variant resulted in a classification of benign for this disease.

GeneDx
Classification: Benign. Last evaluated: 2014-01-13. Review status: criteria provided, single submitter. Criteria: GeneDx Variant Classification (06012015). Collection method: clinical testing. Allele origin: germline. Affected: yes.
Comment: This variant is considered likely benign or benign based on one or more of the following criteria: it is a conservative change, it occurs at a poorly conserved position in the protein, it is predicted to be benign by multiple in silico algorithms, and/or has population frequency not consistent with disease.

Genetic Services Laboratory, University of Chicago
Classification: Benign. Last evaluated: 2013-08-01. Review status: criteria provided, single submitter. Criteria: ACMG Guidelines, 2007. Collection method: clinical testing. Allele origin: germline. Inheritance: Autosomal recessive inheritance.

Breakthrough Genomics
Classification: Benign. Review status: criteria provided, single submitter. Criteria: ACMG Guidelines, 2015. Collection method: not provided. Allele origin: germline. Inheritance: Autosomal recessive inheritance. Affected: yes.

PreventionGenetics, part of Exact Sciences
Classification: Benign for WDR62-related condition. Last evaluated: 2019-08-28. Review status: no assertion criteria provided. Collection method: clinical testing. Allele origin: germline. Not counted in ClinVar's aggregate classification.
Comment: This variant is classified as benign based on ACMG/AMP sequence variant interpretation guidelines (Richards et al. 2015 PMID: 25741868, with internal and published modifications).

NM_001083961.2(WDR62):c.2281C>T (p.His761Tyr)

Gene: WDR62 (WD repeat domain 62; plus strand). Cytogenetic location: 19q13.12.
Variant type: single nucleotide variant.
Coding change: c.2281C>T on transcript NM_001083961.2 (MANE Select); coding-DNA position 2281, C replaced by T.
Protein change: p.His761Tyr; replaces histidine 761 with tyrosine.
Molecular consequence: missense variant.
Genome position (GRCh38, 1-based): chr19:36,092,759, C>T. VCF-style: chr19-36092759-C-T. GRCh37 (hg19) VCF-style: chr19-36583661-C-T.
Other names: p.H761Y:CAC>TAC; c.2281C>T, p.His761Tyr (NM_173636.5); short protein forms H761Y.
Identifiers: ClinVar variation 137908 (VCV000137908.25), dbSNP rs61744321, ClinGen allele CA173911.
Genomic context (GRCh38, chr19:36,092,759, plus strand): 5'-ATCTGGCACCTGGGCCCGGAGATCACCAACTGCATGAAGCAGCACTTGCTGGAGATTGAC[C>T]ACCGGCAGCAGCAGCAGCACACAAATGACAAGAAGCGGAGTGGCCACCCCAGGTCCTGGC-3'
Protein context (NP_001077430.1, residues 751-771): CMKQHLLEID[His761Tyr]RQQQQHTNDK